The following is an entry in ClinVar:

ClinVar aggregate classification (germline): Uncertain significance (1 of 4 stars; one submission).

Conditions:
Familial cancer of breast. Also called: BREAST CANCER, FAMILIAL; hereditary breast carcinoma; Hereditary breast cancer. Identifiers: Orphanet 227535, MedGen C0346153, MONDO:0016419, OMIM 114480. Disease mechanism: loss of function.

Submission:

Labcorp Genetics (formerly Invitae), Labcorp
Classification: Uncertain significance for Familial cancer of breast. Last evaluated: 2025-07-27. Review status: criteria provided, single submitter. Criteria: Invitae Variant Classification Sherloc (09022015). Collection method: clinical testing. Allele origin: germline.
Comment: This sequence change replaces serine, which is neutral and polar, with cysteine, which is neutral and slightly polar, at codon 400 of the BARD1 protein (p.Ser400Cys). This variant is not present in population databases (gnomAD no frequency). This missense change has been observed in individual(s) with breast and/or ovarian cancer (PMID: 26898890). ClinVar contains an entry for this variant (Variation ID: 661917). An algorithm developed to predict the effect of missense changes on protein structure and function (PolyPhen-2) suggests that this variant is likely to be tolerated. In summary, the available evidence is currently insufficient to determine the role of this variant in disease. Therefore, it has been classified as a Variant of Uncertain Significance.

Literature cited by the submitters: PubMed 26898890.

NM_000465.4(BARD1):c.1198A>T (p.Ser400Cys)

Gene: BARD1 (BRCA1 associated RING domain 1; minus strand). Cytogenetic location: 2q35.
Variant type: single nucleotide variant.
Coding change: c.1198A>T on transcript NM_000465.4 (MANE Select); coding-DNA position 1198, A replaced by T.
Protein change: p.Ser400Cys; replaces serine 400 with cysteine.
Molecular consequence: missense variant. On other transcripts: non-coding transcript variant (2), intron variant (3).
Genome position (GRCh38, 1-based): chr2:214,780,676, T>A on the plus strand (A>T on the coding strand, the complement: BARD1 is on the minus strand). VCF-style: chr2-214780676-T-A. GRCh37 (hg19) VCF-style: chr2-215645400-T-A.
Other names: c.1141A>T, p.Ser381Cys (NM_001282543.2); c.159-28121A>T (NM_001282548.2); c.215+16385A>T (NM_001282545.2); c.364+11621A>T (NM_001282549.2); short protein forms S400C, S381C.
Identifiers: ClinVar variation 661917 (VCV000661917.9), dbSNP rs867396444, ClinGen allele CA64788014.
Genomic context (GRCh38, chr2:214,780,676, plus strand): 5'-TATTGGGCAACAGCTTCATTGCTGAGGGACTAGACATCACTCGCCTGTAACTTGAACTAC[T>A]TAATGTAGAAGGTGGTGTACCTGGTGAAAGACTAATGAATTCATCGGACATGTTACTGTT-3'
Protein context (NP_000456.2, residues 390-410): LSPGTPPSTL[Ser400Cys]SSSYRRVMSS